The following is an entry in ClinVar:

ClinVar aggregate classification (germline): Uncertain significance. Review status: criteria provided, multiple submitters, no conflicts (2 of 4 stars). 4 submissions from 4 submitters: Uncertain significance (4). Last evaluated 2026-07-23.

Conditions:
ADGRV1-related disorder. Also called: ADGRV1-related disorders; ADGRV1-related condition.

Allele frequency attached by ClinVar (database versions not stated): ESP Exome Variant Server 0.00008; ExAC 0.00011; gnomAD exomes 0.00001 and 0.00006; gnomAD 0.00003; TOPMed 0.00004.
gnomAD v4.1: 24 of 1,374,926 alleles (0.0017%); highest among the groups gnomAD compares: Middle Eastern, 0.18%; no homozygotes.

Submissions (4):

PreventionGenetics, part of Exact Sciences
Classification: Uncertain significance for ADGRV1-related condition. Last evaluated: 2026-07-23. Review status: criteria provided, single submitter. Criteria: ACMG Guidelines, 2015. Collection method: clinical testing. Allele origin: germline.
Comment: The ADGRV1 c.16196+3A>G variant is predicted to interfere with splicing. This variant is predicted to impact splicing based on splicing prediction programs (SpliceAI, Jaganathan et al. 2019. PubMed ID: 30661751). However, the use of computer prediction programs is not equivalent to functional evidence. To our knowledge, this variant has not been reported in the literature. This variant is reported in 0.011% of alleles in individuals of African descent in gnomAD. At this time, the clinical significance of this variant is uncertain due to the absence of conclusive functional and genetic evidence.

Blueprint Genetics
Classification: Uncertain significance. Last evaluated: 2023-05-26. Review status: criteria provided, single submitter. Criteria: ACMG Guidelines, 2015. Collection method: clinical testing. Allele origin: germline.

Labcorp Genetics (formerly Invitae), Labcorp
Classification: Uncertain significance. Last evaluated: 2022-07-31. Review status: criteria provided, single submitter. Criteria: Invitae Variant Classification Sherloc (09022015). Collection method: clinical testing. Allele origin: germline.
Comment: This sequence change falls in intron 75 of the ADGRV1 gene. It does not directly change the encoded amino acid sequence of the ADGRV1 protein. It affects a nucleotide within the consensus splice site. This variant is present in population databases (rs374531332, gnomAD 0.01%). This variant has not been reported in the literature in individuals affected with ADGRV1-related conditions. ClinVar contains an entry for this variant (Variation ID: 1418358). Variants that disrupt the consensus splice site are a relatively common cause of aberrant splicing (PMID: 17576681, 9536098). Algorithms developed to predict the effect of sequence changes on RNA splicing suggest that this variant may create or strengthen a splice site. In summary, the available evidence is currently insufficient to determine the role of this variant in disease. Therefore, it has been classified as a Variant of Uncertain Significance.

GeneDx
Classification: Uncertain significance. Last evaluated: 2022-03-07. Review status: criteria provided, single submitter. Criteria: GeneDx Variant Classification Process June 2021. Collection method: clinical testing. Allele origin: germline. Affected: yes.
Comment: Has not been previously published as pathogenic or benign to our knowledge; In silico analysis, which includes splice predictors and evolutionary conservation, suggests this variant may impact gene splicing. In the absence of RNA/functional studies, the actual effect of this sequence change is unknown.

Literature cited by the submitters: PubMed 17576681 (cited by Labcorp Genetics (formerly Invitae), Labcorp); PubMed 9536098 (cited by Labcorp Genetics (formerly Invitae), Labcorp).

NM_032119.4(ADGRV1):c.16196+3A>G

Gene: ADGRV1 (adhesion G protein-coupled receptor V1; plus strand). Cytogenetic location: 5q14.3.
Variant type: single nucleotide variant.
Coding change: c.16196+3A>G on transcript NM_032119.4 (MANE Select); 3 bases into the intron after coding-DNA position 16196, A replaced by G.
Molecular consequence: intron variant.
Genome position (GRCh38, 1-based): chr5:90,815,739, A>G. VCF-style: chr5-90815739-A-G. GRCh37 (hg19) VCF-style: chr5-90111556-A-G.
Other names: c.16196+3A>G (NM_032119.3).
Identifiers: ClinVar variation 1418358 (VCV001418358.6), dbSNP rs374531332, ClinGen allele CA3342058.
Genomic context (GRCh38, chr5:90,815,739, plus strand): 5'-TCAGGGAAGGAGCTGTTATGAGAAGATTGCACCTTATTGTCACAAGACAGCCAAACAGGT[A>G]TGTGTATATATAGTATATGGAAGACGTAACATTCTGTGTGTCTGTACAAATGTAATTTCA-3'